The following is an entry in ClinVar:

NM_001267550.2(TTN):c.57933T>C (p.Asp19311=)

Genes: TTN-AS1 (TTN antisense RNA 1; plus strand), TTN (titin; minus strand). Cytogenetic location: 2q31.2.
Variant type: single nucleotide variant.
Coding change: c.57933T>C on transcript NM_001267550.2 (MANE Select); coding-DNA position 57933, T replaced by C.
Protein change: p.Asp19311=; no amino-acid change (aspartic acid 19311 retained).
Molecular consequence: synonymous variant.
Genome position (GRCh38, 1-based): chr2:178,594,561, A>G on the plus strand (T>C on the coding strand, the complement: TTN is on the minus strand). VCF-style: chr2-178594561-A-G. GRCh37 (hg19) VCF-style: chr2-179459288-A-G.
Other names: c.53010T>C, p.Asp17670= (NM_001256850.1); c.50229T>C, p.Asp16743= (NM_133378.4); c.30738T>C, p.Asp10246= (NM_003319.4); c.31113T>C, p.Asp10371= (NM_133432.3); c.31314T>C, p.Asp10438= (NM_133437.4).
Identifiers: ClinVar variation 165950 (VCV000165950.61), dbSNP rs554555894, ClinGen allele CA178662.

ClinVar aggregate classification (germline): Likely benign. Review status: criteria provided, multiple submitters, no conflicts (2 of 4 stars). 7 submissions from 7 submitters: Likely benign (7). Last evaluated 2026-04-01.

Conditions:
Cardiovascular phenotype. Identifiers: MedGen CN230736.
Dilated cardiomyopathy 1G (CMD1G). Identifiers: Orphanet 154, MedGen C1858763, MONDO:0011400, OMIM 604145.
Autosomal recessive limb-girdle muscular dystrophy type 2J (LGMDR10). Also called: Limb-girdle muscular dystrophy, type 2J; MUSCULAR DYSTROPHY, LIMB-GIRDLE, AUTOSOMAL RECESSIVE 10. Identifiers: Orphanet 140922, MedGen C1837342, MONDO:0012127, OMIM 608807.

Allele frequency attached by ClinVar (database versions not stated): gnomAD 0.00001 and 0.00002; TOPMed 0.00001; gnomAD exomes 0.00004 and 0.00008; ExAC 0.00012.
gnomAD v4.1: 70 of 1,613,212 alleles (0.0043%); highest among the groups gnomAD compares: South Asian, 0.025%; 1 homozygote.

Submissions (7):

CeGaT Center for Human Genetics Tuebingen
Classification: Likely benign. Last evaluated: 2026-04-01. Review status: criteria provided, single submitter. Criteria: CeGaT Center For Human Genetics Tuebingen Variant Classification Criteria Version 2. Collection method: clinical testing. Allele origin: germline. Affected: yes. Observed: 4 variant alleles.
Comment: TTN: BP4, BS2

Labcorp Genetics (formerly Invitae), Labcorp
Classification: Likely benign for Dilated cardiomyopathy 1G; Autosomal recessive limb-girdle muscular dystrophy type 2J. Last evaluated: 2026-01-12. Review status: criteria provided, single submitter. Criteria: Invitae Variant Classification Sherloc (09022015). Collection method: clinical testing. Allele origin: germline.

Women's Health and Genetics/Laboratory Corporation of America, LabCorp
Classification: Likely benign. Last evaluated: 2026-01-12. Review status: criteria provided, single submitter. Criteria: LabCorp Variant Classification Summary - May 2015. Collection method: clinical testing. Allele origin: germline.

Blueprint Genetics
Classification: Likely benign. Last evaluated: 2024-11-21. Review status: criteria provided, single submitter. Criteria: ACMG Guidelines, 2015. Collection method: clinical testing. Allele origin: germline.

Ambry Genetics
Classification: Likely benign for Cardiovascular phenotype. Last evaluated: 2022-06-14. Review status: criteria provided, single submitter. Criteria: Ambry Variant Classification Scheme 2023. Collection method: clinical testing. Allele origin: germline.

GeneDx
Classification: Likely benign. Last evaluated: 2020-12-17. Review status: criteria provided, single submitter. Criteria: GeneDx Variant Classification Process June 2021. Collection method: clinical testing. Allele origin: germline. Affected: yes.

Laboratory for Molecular Medicine, Mass General Brigham Personalized Medicine
Classification: Likely benign. Last evaluated: 2014-06-27. Review status: criteria provided, single submitter. Criteria: LMM Criteria. Collection method: clinical testing. Allele origin: germline. Observed: 1 variant allele.
Comment: Asp16743Asp in exon 245 of TTN: This variant is not expected to have clinical si gnificance because it does not alter an amino acid residue and is not located wi thin the splice consensus sequence.